The following is an entry in ClinVar:

NM_001211.6(BUB1B):c.1203G>C (p.Glu401Asp)

Gene: BUB1B (BUB1 mitotic checkpoint serine/threonine kinase B; plus strand). Cytogenetic location: 15q15.1.
Variant type: single nucleotide variant.
Coding change: c.1203G>C on transcript NM_001211.6 (MANE Select); coding-DNA position 1203, G replaced by C.
Protein change: p.Glu401Asp; replaces glutamic acid 401 with aspartic acid.
Molecular consequence: missense variant.
Genome position (GRCh38, 1-based): chr15:40,196,689, G>C. VCF-style: chr15-40196689-G-C. GRCh37 (hg19) VCF-style: chr15-40488890-G-C.
Other names: short protein forms E401D.
Identifiers: ClinVar variation 647185 (VCV000647185.10), dbSNP rs1595526383, ClinGen allele CA391687398.

ClinVar aggregate classification (germline): Uncertain significance (1 of 4 stars; one submission).

Conditions:
Mosaic variegated aneuploidy syndrome 1 (MVA1). Also called: Warburton-Anyane-Yeboa syndrome. Identifiers: Orphanet 1052, MedGen C1850343, MONDO:0009759, OMIM 257300.

Allele frequency attached by ClinVar (database versions not stated): gnomAD exomes below 0.00001.
gnomAD v4.1: 1 of 1,614,080 alleles (0.000062%); highest among the groups gnomAD compares: Non-Finnish European, 0.000085%; no homozygotes.

Submission:

Labcorp Genetics (formerly Invitae), Labcorp
Classification: Uncertain significance for Mosaic variegated aneuploidy syndrome 1. Last evaluated: 2018-08-02. Review status: criteria provided, single submitter. Criteria: Invitae Variant Classification Sherloc (09022015). Collection method: clinical testing. Allele origin: germline.
Comment: In summary, the available evidence is currently insufficient to determine the role of this variant in disease. Therefore, it has been classified as a Variant of Uncertain Significance. Algorithms developed to predict the effect of missense changes on protein structure and function (SIFT, PolyPhen-2, Align-GVGD) all suggest that this variant is likely to be tolerated, but these predictions have not been confirmed by published functional studies and their clinical significance is uncertain. This variant has not been reported in the literature in individuals with BUB1B-related disease. This variant is not present in population databases (ExAC no frequency). This sequence change replaces glutamic acid with aspartic acid at codon 401 of the BUB1B protein (p.Glu401Asp). The glutamic acid residue is weakly conserved and there is a small physicochemical difference between glutamic acid and aspartic acid.